The following is an entry in ClinVar:

ClinVar aggregate classification (germline): Uncertain significance. Review status: criteria provided, multiple submitters, no conflicts (2 of 4 stars). 2 submissions from 2 submitters: Uncertain significance (2). Last evaluated 2025-05-23.

Conditions:
Inborn genetic diseases. Identifiers: MedGen C0950123, MeSH D030342.

Allele frequency attached by ClinVar (database versions not stated): ExAC 0.00003; gnomAD 0.00004; ESP Exome Variant Server 0.00008.

Submissions (2):

Ambry Genetics
Classification: Uncertain significance for Inborn genetic diseases. Last evaluated: 2025-05-23. Review status: criteria provided, single submitter. Criteria: Ambry Variant Classification Scheme 2023. Collection method: clinical testing. Allele origin: germline.

Labcorp Genetics (formerly Invitae), Labcorp
Classification: Uncertain significance. Last evaluated: 2024-06-03. Review status: criteria provided, single submitter. Criteria: Invitae Variant Classification Sherloc (09022015). Collection method: clinical testing. Allele origin: germline.
Comment: This sequence change replaces proline, which is neutral and non-polar, with leucine, which is neutral and non-polar, at codon 137 of the CD151 protein (p.Pro137Leu). This variant is present in population databases (rs374834878, gnomAD 0.01%). This variant has not been reported in the literature in individuals affected with CD151-related conditions. Algorithms developed to predict the effect of missense changes on protein structure and function output the following: SIFT: "Not Available"; PolyPhen-2: "Benign"; Align-GVGD: "Not Available". The leucine amino acid residue is found in multiple mammalian species, which suggests that this missense change does not adversely affect protein function. In summary, the available evidence is currently insufficient to determine the role of this variant in disease. Therefore, it has been classified as a Variant of Uncertain Significance.

NM_004357.5(CD151):c.410C>T (p.Pro137Leu)

Gene: CD151 (CD151 molecule (Raph blood group); plus strand). Cytogenetic location: 11p15.5.
Variant type: single nucleotide variant.
Coding change: c.410C>T on transcript NM_004357.5 (MANE Select); coding-DNA position 410, C replaced by T.
Protein change: p.Pro137Leu; replaces proline 137 with leucine.
Molecular consequence: missense variant.
Genome position (GRCh38, 1-based): chr11:837,308, C>T. VCF-style: chr11-837308-C-T. GRCh37 (hg19) VCF-style: chr11-837308-C-T.
Other names: c.410C>T (NM_004357.4); c.410C>T, p.Pro137Leu (NM_001039490.2, NM_139029.2, NM_139030.4); short protein forms P137L.
Identifiers: ClinVar variation 2960612 (VCV002960612.4), dbSNP rs374834878, ClinGen allele CA5792187.
Genomic context (GRCh38, chr11:837,308, plus strand): 5'-AGCTGAACACGGAGCTCAAGGAGAACCTGAAGGACACCATGACCAAGCGCTACCACCAGC[C>T]GGGCCATGAGGCTGTGACCAGCGCTGTGGACCAGCTGCAGCAGGAGGTGGGTGGGTGGTG-3'
Protein context (NP_004348.2, residues 127-147): KDTMTKRYHQ[Pro137Leu]GHEAVTSAVD